The following is an entry in ClinVar:

ClinVar aggregate classification (germline): Likely benign (1 of 4 stars; one submission).

Submission:

CeGaT Center for Human Genetics Tuebingen
Classification: Likely benign. Last evaluated: 2022-05-01. Review status: criteria provided, single submitter. Criteria: CeGaT Center For Human Genetics Tuebingen Variant Classification Criteria Version 2. Collection method: clinical testing. Allele origin: germline. Affected: yes. Observed: 1 variant allele.
Comment: SALL4: PM2:Supporting, BP4, BP7

NM_020436.5(SALL4):c.810A>G (p.Ala270=)

Gene: SALL4 (spalt like transcription factor 4; minus strand). Cytogenetic location: 20q13.2.
Variant type: single nucleotide variant.
Coding change: c.810A>G on transcript NM_020436.5 (MANE Select); coding-DNA position 810, A replaced by G.
Protein change: p.Ala270=; no amino-acid change (alanine 270 retained).
Molecular consequence: synonymous variant.
Genome position (GRCh38, 1-based): chr20:51,791,673, T>C on the plus strand (A>G on the coding strand, the complement: SALL4 is on the minus strand). VCF-style: chr20-51791673-T-C. GRCh37 (hg19) VCF-style: chr20-50408212-T-C.
Other names: c.810A>G, p.Ala270= (NM_001318031.2).
Identifiers: ClinVar variation 2652414 (VCV002652414.24), dbSNP rs1337909648, ClinGen allele CA511027112.
Genomic context (GRCh38, chr20:51,791,673, plus strand): 5'-TTTCAAGGCATCCAGAGACAGACCTTGGCTTCCAGCTTTCTGGCTGAGCAAAGCCACAGC[T>C]GCAGAAACCTGCTGAGACATGTGGCTGCCCAAGGTCTTCAGAGTGTCGGCCCCTGCCCCG-3'
Protein context (NP_065169.1, residues 260-280): LGSHMSQQVS[Ala270=]AVALLSQKAG